The following is an entry in ClinVar:

NM_024577.4(SH3TC2):c.3613G>A (p.Glu1205Lys)

Gene: SH3TC2 (SH3 domain and tetratricopeptide repeats 2; minus strand). Cytogenetic location: 5q32.
Variant type: single nucleotide variant.
Coding change: c.3613G>A on transcript NM_024577.4 (MANE Select); coding-DNA position 3613, G replaced by A.
Protein change: p.Glu1205Lys; replaces glutamic acid 1205 with lysine.
Molecular consequence: missense variant.
Genome position (GRCh38, 1-based): chr5:149,006,943, C>T on the plus strand (G>A on the coding strand, the complement: SH3TC2 is on the minus strand). VCF-style: chr5-149006943-C-T. GRCh37 (hg19) VCF-style: chr5-148386506-C-T.
Other names: short protein forms E1205K.
Identifiers: ClinVar variation 1482367 (VCV001482367.6), dbSNP rs926087682, ClinGen allele CA128996256.

ClinVar aggregate classification (germline): Uncertain significance (1 of 4 stars; one submission).

Conditions:
Charcot-Marie-Tooth disease type 4. Also called: Charcot-Marie-Tooth, Type 4; Charcot-Marie-Tooth disease, type IV. Identifiers: Orphanet 64749, MedGen C4082197, MONDO:0018995.

Allele frequency attached by ClinVar (database versions not stated): TOPMed below 0.00001.

Submission:

Labcorp Genetics (formerly Invitae), Labcorp
Classification: Uncertain significance for Charcot-Marie-Tooth disease type 4. Last evaluated: 2024-10-28. Review status: criteria provided, single submitter. Criteria: Invitae Variant Classification Sherloc (09022015). Collection method: clinical testing. Allele origin: germline.
Comment: This sequence change replaces glutamic acid, which is acidic and polar, with lysine, which is basic and polar, at codon 1205 of the SH3TC2 protein (p.Glu1205Lys). This variant is not present in population databases (gnomAD no frequency). This variant has not been reported in the literature in individuals affected with SH3TC2-related conditions. ClinVar contains an entry for this variant (Variation ID: 1482367). Invitae Evidence Modeling of protein sequence and biophysical properties (such as structural, functional, and spatial information, amino acid conservation, physicochemical variation, residue mobility, and thermodynamic stability) indicates that this missense variant is not expected to disrupt SH3TC2 protein function with a negative predictive value of 95%. In summary, the available evidence is currently insufficient to determine the role of this variant in disease. Therefore, it has been classified as a Variant of Uncertain Significance.